The following is an entry in ClinVar:

NM_005032.7(PLS3):c.347G>A (p.Gly116Glu)

Gene: PLS3 (plastin 3; plus strand). Cytogenetic location: Xq23.
Variant type: single nucleotide variant.
Coding change: c.347G>A on transcript NM_005032.7 (MANE Select); coding-DNA position 347, G replaced by A.
Protein change: p.Gly116Glu; replaces glycine 116 with glutamic acid.
Molecular consequence: missense variant.
Genome position (GRCh38, 1-based): chrX:115,629,307, G>A. VCF-style: chrX-115629307-G-A. GRCh37 (hg19) VCF-style: chrX-114863619-G-A.
Other names: c.347G>A, p.Gly116Glu (NM_001136025.5); c.266G>A, p.Gly89Glu (NM_001172335.3); c.281G>A, p.Gly94Glu (NM_001282337.2); c.212G>A, p.Gly71Glu (NM_001282338.2); short protein forms G116E, G71E, G89E, G94E.
Identifiers: ClinVar variation 1699109 (VCV001699109.8), dbSNP rs2147533013, ClinGen allele CA414333095.

ClinVar aggregate classification (germline): Uncertain significance. Review status: criteria provided, multiple submitters, no conflicts (2 of 4 stars). 2 submissions from 2 submitters: Uncertain significance (2). Last evaluated 2022-10-03.

Conditions:
Bone mineral density quantitative trait locus 18 (BMND18). Also called: OSTEOPOROSIS AND OSTEOPOROTIC FRACTURES, SUSCEPTIBILITY TO; Bone mineral density QTL18, osteoporosis. Identifiers: Orphanet 391330, MedGen C3806712, OMIM 300910.

Submissions (2):

Labcorp Genetics (formerly Invitae), Labcorp
Classification: Uncertain significance. Last evaluated: 2022-10-03. Review status: criteria provided, single submitter. Criteria: Invitae Variant Classification Sherloc (09022015). Collection method: clinical testing. Allele origin: germline.
Comment: This variant is not present in population databases (gnomAD no frequency). In summary, the available evidence is currently insufficient to determine the role of this variant in disease. Therefore, it has been classified as a Variant of Uncertain Significance. Advanced modeling of protein sequence and biophysical properties (such as structural, functional, and spatial information, amino acid conservation, physicochemical variation, residue mobility, and thermodynamic stability) performed at Invitae indicates that this missense variant is not expected to disrupt PLS3 protein function. This variant has not been reported in the literature in individuals affected with PLS3-related conditions. This sequence change replaces glycine, which is neutral and non-polar, with glutamic acid, which is acidic and polar, at codon 116 of the PLS3 protein (p.Gly116Glu).

Victorian Clinical Genetics Services, Murdoch Childrens Research Institute
Classification: Uncertain significance for Bone mineral density quantitative trait locus 18. Last evaluated: 2020-04-09. Review status: criteria provided, single submitter. Criteria: ACMG Guidelines, 2015. Collection method: clinical testing. Allele origin: germline. Inheritance: X-linked dominant inheritance. Affected: yes.
Comment: Based on the classification scheme VCGS_Germline_v1.1.1, this variant is classified as 3A-VUS. Following criteria are met: 0102 - Loss-of-function is a known mechanism of disease for this gene. (N) 0110 - This gene is known to be associated with X-linked disease. (N) 0112 - Variants in this gene are known to have reduced penetrance (van Dijk, F. et al. (2013)). (N) 0200 - Variant is predicted to result in a missense amino acid change from glycine to glutamic acid (exon 4). (N) 0253 - Variant is hemizygous. (N) 0301 - Variant is absent from gnomAD. (P) 0501 - Missense variant consistently predicted to be damaging by multiple in-silico tools or highly conserved with a major amino acid change. (P) 0600 - Variant is located in an annotated domain or motif (actin-binding 1 region of interest; PDB, UniProt). (N) 0705 - No comparable variants have previous evidence for pathogenicity. (N) 0807 - Variant has not previously been reported in a clinical context. (N) 0905 - No segregation evidence has been identified for this variant. (N) 1007 - No published functional evidence has been identified for this variant. (N) 1102 - Strong phenotype match. (P) 1208 - Inheritance information for this variant is not currently available. (N) Legend: (P) - Pathogenic, (N) - Neutral, (B) - Benign

Literature cited by the submitters: PubMed 24088043 (cited by Victorian Clinical Genetics Services, Murdoch Childrens Research Institute).